The following is an entry in ClinVar:

ClinVar aggregate classification (germline): Conflicting classifications of pathogenicity. Review status: criteria provided, conflicting classifications (1 of 4 stars). 4 submissions from 4 submitters: Uncertain significance (1); Likely benign (3). Last evaluated 2025-10-03.

Conditions:
Hereditary cancer-predisposing syndrome. Also called: Neoplastic Syndromes, Hereditary; Hereditary neoplastic syndrome; Tumor predisposition; Hereditary Cancer Syndrome. Identifiers: Orphanet 140162, MedGen C0027672, MeSH D009386, MONDO:0015356.

Allele frequency attached by ClinVar (database versions not stated): gnomAD exomes 0.00003; TOPMed 0.00004; ExAC 0.00005; gnomAD 0.00002 and 0.00003.
gnomAD v4.1: 51 of 1,613,710 alleles (0.0032%); highest among the groups gnomAD compares: Non-Finnish European, 0.0042%; no homozygotes.

Submissions (4):

Labcorp Genetics (formerly Invitae), Labcorp
Classification: Likely benign. Last evaluated: 2025-10-03. Review status: criteria provided, single submitter. Criteria: Invitae Variant Classification Sherloc (09022015). Collection method: clinical testing. Allele origin: germline.

Quest Diagnostics Nichols Institute San Juan Capistrano
Classification: Uncertain significance. Last evaluated: 2024-09-06. Review status: criteria provided, single submitter. Criteria: Quest Diagnostics criteria. Collection method: clinical testing. Allele origin: unknown.
Comment: The XRCC2 c.225A>G (p.Glu75=) synonymous variant has not been reported in individuals with XRCC2-related conditions in the published literature. The frequency of this variant in the general population, 0.00007 (9/128944 chromosomes (Genome Aggregation Database)), is uninformative in the assessment of its pathogenicity. Analysis of this variant using software algorithms for the prediction of the effect of nucleotide changes on splicing yielded predictions that this variant does not affect XRCC2 mRNA splicing. Based on the available information, we are unable to determine the clinical significance of this variant.

Ambry Genetics
Classification: Likely benign for Hereditary cancer-predisposing syndrome. Last evaluated: 2017-11-30. Review status: criteria provided, single submitter. Criteria: Ambry Variant Classification Scheme 2023. Collection method: clinical testing. Allele origin: germline.

GeneDx
Classification: Likely benign. Last evaluated: 2017-04-11. Review status: criteria provided, single submitter. Criteria: GeneDx Variant Classification (06012015). Collection method: clinical testing. Allele origin: germline. Affected: yes.
Comment: This variant is considered likely benign or benign based on one or more of the following criteria: it is a conservative change, it occurs at a poorly conserved position in the protein, it is predicted to be benign by multiple in silico algorithms, and/or has population frequency not consistent with disease.

NM_005431.2(XRCC2):c.225A>G (p.Glu75=)

Gene: XRCC2 (X-ray repair cross complementing 2; minus strand). Cytogenetic location: 7q36.1.
Variant type: single nucleotide variant.
Coding change: c.225A>G on transcript NM_005431.2 (MANE Select); coding-DNA position 225, A replaced by G.
Protein change: p.Glu75=; no amino-acid change (glutamic acid 75 retained).
Molecular consequence: synonymous variant.
Genome position (GRCh38, 1-based): chr7:152,649,260, T>C on the plus strand (A>G on the coding strand, the complement: XRCC2 is on the minus strand). VCF-style: chr7-152649260-T-C. GRCh37 (hg19) VCF-style: chr7-152346345-T-C.
Identifiers: ClinVar variation 240159 (VCV000240159.17), dbSNP rs751651780, ClinGen allele CA4582372.
Genomic context (GRCh38, chr7:152,649,260, plus strand): 5'-AATTGTAACTAGCCGGAGCATATCAAAGTGGTAATCTGTATCAATAAATAAGACTTCTAC[T>C]TCCAGGCCACCTTCTGATTTGGGAAGTATACATCGTGCTGTTAGGTGATAAAGCATTTCT-3'
Protein context (NP_005422.1, residues 65-85): CILPKSEGGL[Glu75=]VEVLFIDTDY